The following is an entry in ClinVar:

NM_025137.4(SPG11):c.6157G>C (p.Val2053Leu)

Gene: SPG11 (SPG11 vesicle trafficking associated, spatacsin; minus strand). Cytogenetic location: 15q21.1.
Variant type: single nucleotide variant.
Coding change: c.6157G>C on transcript NM_025137.4 (MANE Select); coding-DNA position 6157, G replaced by C.
Protein change: p.Val2053Leu; replaces valine 2053 with leucine.
Molecular consequence: missense variant. On other transcripts: intron variant (1).
Genome position (GRCh38, 1-based): chr15:44,573,595, C>G on the plus strand (G>C on the coding strand, the complement: SPG11 is on the minus strand). VCF-style: chr15-44573595-C-G. GRCh37 (hg19) VCF-style: chr15-44865793-C-G.
Other names: c.6013G>C, p.Val2005Leu (NM_001411132.1); c.5867-775G>C (NM_001160227.2); short protein forms V2053L, V2005L.
Identifiers: ClinVar variation 2049719 (VCV002049719.3), dbSNP rs149003934, ClinGen allele CA392218184.

ClinVar aggregate classification (germline): Uncertain significance (1 of 4 stars; one submission).

Conditions:
Hereditary spastic paraplegia 11. Also called: Spastic Paraplegia 11; Spastic paraplegia, mental retardation and thin corpus callosum; Nakamura Osame syndrome; Autosomal recessive hereditary spastic paraplegia, mental impairment, and thin corpus callosum; SPASTIC PARAPLEGIA, AUTOSOMAL RECESSIVE, COMPLICATED, WITH THIN CORPUS CALLOSUM; SPASTIC PARAPLEGIA, AUTOSOMAL RECESSIVE, WITH MENTAL IMPAIRMENT AND THIN CORPUS CALLOSUM. Identifiers: Orphanet 2822, MedGen C1858479, MONDO:0011445, OMIM 604360.

Submission:

Labcorp Genetics (formerly Invitae), Labcorp
Classification: Uncertain significance for Hereditary spastic paraplegia 11. Last evaluated: 2021-12-19. Review status: criteria provided, single submitter. Criteria: Invitae Variant Classification Sherloc (09022015). Collection method: clinical testing. Allele origin: germline.
Comment: In summary, the available evidence is currently insufficient to determine the role of this variant in disease. Therefore, it has been classified as a Variant of Uncertain Significance. Algorithms developed to predict the effect of missense changes on protein structure and function are either unavailable or do not agree on the potential impact of this missense change (SIFT: "Tolerated"; PolyPhen-2: "Possibly Damaging"; Align-GVGD: "Class C0"). This variant has not been reported in the literature in individuals affected with SPG11-related conditions. This variant is not present in population databases (gnomAD no frequency). This sequence change replaces valine, which is neutral and non-polar, with leucine, which is neutral and non-polar, at codon 2053 of the SPG11 protein (p.Val2053Leu).